The following is an entry in ClinVar:

ClinVar aggregate classification (germline): Likely benign (1 of 4 stars; one submission).

Submission:

CeGaT Center for Human Genetics Tuebingen
Classification: Likely benign. Last evaluated: 2025-09-01. Review status: criteria provided, single submitter. Criteria: CeGaT Center For Human Genetics Tuebingen Variant Classification Criteria Version 2. Collection method: clinical testing. Allele origin: germline. Affected: yes. Observed: 1 variant allele.
Comment: VPS13A: BP4, BP7

NM_033305.3(VPS13A):c.93C>T (p.Ile31=)

Genes: VPS13A (vacuolar protein sorting 13 homolog A; plus strand), VPS13A-AS1 (VPS13A antisense RNA 1; minus strand). Cytogenetic location: 9q21.2.
Variant type: single nucleotide variant.
Coding change: c.93C>T on transcript NM_033305.3 (MANE Select); coding-DNA position 93, C replaced by T.
Protein change: p.Ile31=; no amino-acid change (isoleucine 31 retained).
Molecular consequence: synonymous variant. On other transcripts: non-coding transcript variant (1).
Genome position (GRCh38, 1-based): chr9:77,177,797, C>T. VCF-style: chr9-77177797-C-T. GRCh37 (hg19) VCF-style: chr9-79792713-C-T.
Other names: c.93C>T, p.Ile31= (NM_001018037.2, NM_001018038.3, NM_015186.4).
Identifiers: ClinVar variation 4281519 (VCV004281519.7).
Genomic context (GRCh38, chr9:77,177,797, plus strand): 5'-GAACCGGTTCTTGGGGGACTATGTGGTGGACTTGGACACGTCCCAGCTCTCTCTGGGCAT[C>T]TGGAAAGGTAAGGAGGCCGCCGCCGCCGCTCCCCGGCCTCTCGTGCTTCCCGGCCGTCTC-3'
Protein context (NP_150648.2, residues 21-41): DLDTSQLSLG[Ile31=]WKGAVALKNL